The following is an entry in ClinVar:

ClinVar aggregate classification (germline): Conflicting classifications of pathogenicity. Review status: criteria provided, conflicting classifications (1 of 4 stars). 5 submissions from 5 submitters: Uncertain significance (4); Likely benign (1). Last evaluated 2026-09-05.

Conditions:
RAD51C-related disorder. Also called: RAD51C-related disorders; RAD51C-related condition.
Hereditary cancer-predisposing syndrome. Also called: Neoplastic Syndromes, Hereditary; Tumor predisposition; Hereditary Cancer Syndrome; Hereditary neoplastic syndrome. Identifiers: Orphanet 140162, MedGen C0027672, MeSH D009386, MONDO:0015356.
Fanconi anemia complementation group O. Also called: RAD51C-Related Fanconi Anemia. Identifiers: Orphanet 84, MedGen C3150653, MONDO:0013248, OMIM 613390.

Allele frequency attached by ClinVar (database versions not stated): TOPMed below 0.00001; gnomAD 0.00001.
gnomAD v4.1: 1 of 1,612,634 alleles (0.000062%); highest among the groups gnomAD compares: African/African-American, 0.0013%; no homozygotes.

Submissions (5):

PreventionGenetics, part of Exact Sciences
Classification: Uncertain significance for RAD51C-related condition. Last evaluated: 2026-09-05. Review status: criteria provided, single submitter. Criteria: ACMG Guidelines, 2015. Collection method: clinical testing. Allele origin: germline.
Comment: The RAD51C c.1016T>C variant is predicted to result in the amino acid substitution p.Phe339Ser. To our knowledge, this variant has not been reported in the literature or in a large population database (gnomAD), indicating this variant is rare. It has conflicting interpretations in ClinVar ranging from likely benign to uncertain significance (Variation ID: 409861). At this time, the clinical significance of this variant is uncertain due to the absence of conclusive functional and genetic evidence.

Labcorp Genetics (formerly Invitae), Labcorp
Classification: Uncertain significance for Fanconi anemia complementation group O. Last evaluated: 2025-08-07. Review status: criteria provided, single submitter. Criteria: Invitae Variant Classification Sherloc (09022015). Collection method: clinical testing. Allele origin: germline.
Comment: This sequence change replaces phenylalanine, which is neutral and non-polar, with serine, which is neutral and polar, at codon 339 of the RAD51C protein (p.Phe339Ser). This variant is not present in population databases (gnomAD no frequency). This variant has not been reported in the literature in individuals affected with RAD51C-related conditions. ClinVar contains an entry for this variant (Variation ID: 409861). Invitae Evidence Modeling of protein sequence and biophysical properties (such as structural, functional, and spatial information, amino acid conservation, physicochemical variation, residue mobility, and thermodynamic stability) indicates that this missense variant is expected to disrupt RAD51C protein function with a positive predictive value of 80%. In summary, the available evidence is currently insufficient to determine the role of this variant in disease. Therefore, it has been classified as a Variant of Uncertain Significance.

Quest Diagnostics Nichols Institute San Juan Capistrano
Classification: Uncertain significance. Last evaluated: 2024-03-13. Review status: criteria provided, single submitter. Criteria: Quest Diagnostics criteria. Collection method: clinical testing. Allele origin: unknown.
Comment: The RAD51C c.1016T>C (p.Phe339Ser) variant has not been reported in individuals with RAD51C-related conditions in the published literature. The frequency of this variant in the general population, 0.0000066 (1/152192 chromosomes (Genome Aggregation Database)), is uninformative in the assessment of its pathogenicity. Analysis of this variant using bioinformatics tools for the prediction of the effect of amino acid changes on protein structure and function yielded conflicting predictions that this variant is benign or damaging. Based on the available information, we are unable to determine the clinical significance of this variant.

Ambry Genetics
Classification: Likely benign for Hereditary cancer-predisposing syndrome. Last evaluated: 2024-02-26. Review status: criteria provided, single submitter. Criteria: Ambry Variant Classification Scheme 2023. Collection method: clinical testing. Allele origin: germline.

GeneDx
Classification: Uncertain significance. Last evaluated: 2023-01-23. Review status: criteria provided, single submitter. Criteria: GeneDx Variant Classification Process June 2021. Collection method: clinical testing. Allele origin: germline. Affected: yes.
Comment: Not observed at significant frequency in large population cohorts (gnomAD); In silico analysis supports that this missense variant has a deleterious effect on protein structure/function; Has not been previously published as pathogenic or benign to our knowledge; This variant is associated with the following publications: (PMID: 14704354)

NM_058216.3(RAD51C):c.1016T>C (p.Phe339Ser)

Gene: RAD51C (RAD51 paralog C; plus strand). Cytogenetic location: 17q22.
Variant type: single nucleotide variant.
Coding change: c.1016T>C on transcript NM_058216.3 (MANE Select); coding-DNA position 1016, T replaced by C.
Protein change: p.Phe339Ser; replaces phenylalanine 339 with serine.
Molecular consequence: missense variant. On other transcripts: non-coding transcript variant (1).
Genome position (GRCh38, 1-based): chr17:58,732,534, T>C. VCF-style: chr17-58732534-T-C. GRCh37 (hg19) VCF-style: chr17-56809895-T-C.
Other names: short protein forms F339S.
Identifiers: ClinVar variation 409861 (VCV000409861.17), dbSNP rs1060502602, ClinGen allele CA16615808.